The following is an entry in ClinVar:

NM_016373.4(WWOX):c.411G>T (p.Gly137=)

Gene: WWOX (WW domain containing oxidoreductase; plus strand). Cytogenetic location: 16q23.1.
Variant type: single nucleotide variant.
Coding change: c.411G>T on transcript NM_016373.4 (MANE Select); coding-DNA position 411, G replaced by T.
Protein change: p.Gly137=; no amino-acid change (glycine 137 retained).
Molecular consequence: synonymous variant. On other transcripts: non-coding transcript variant (1).
Genome position (GRCh38, 1-based): chr16:78,164,184, G>T. VCF-style: chr16-78164184-G-T. GRCh37 (hg19) VCF-style: chr16-78198081-G-T.
Other names: c.72G>T, p.Gly24= (NM_001291997.2); c.411G>T, p.Gly137= (NM_130791.5).
Identifiers: ClinVar variation 1588429 (VCV001588429.32), dbSNP rs1172090882, ClinGen allele CA496609119.

ClinVar aggregate classification (germline): Likely benign. Review status: criteria provided, multiple submitters, no conflicts (2 of 4 stars). 2 submissions from 2 submitters: Likely benign (2). Last evaluated 2024-07-29.

Conditions:
Developmental and epileptic encephalopathy, 1 (DEE1). Also called: Epileptic encephalopathy, early infantile, 1; INFANTILE SPASM SYNDROME, X-LINKED 1; X-linked infantile spasms; West's syndrome; Tonic spasms with clustering, arrest of psychomotor development and hypsarrhythmia on EEG; X-Linked Infantile Spasm Syndrome. Identifiers: MedGen C3463992, MONDO:0010632, OMIM 308350. Disease mechanism: loss of function.
Autosomal recessive spinocerebellar ataxia 12. Also called: SPINOCEREBELLAR ATAXIA WITH MENTAL RETARDATION AND EPILEPSY. Identifiers: Orphanet 284282, MedGen C3280452, MONDO:0013687, OMIM 614322.

Allele frequency attached by ClinVar (database versions not stated): gnomAD exomes below 0.00001; TOPMed 0.00001.
gnomAD v4.1: 4 of 1,613,750 alleles (0.00025%); highest among the groups gnomAD compares: South Asian, 0.0022%; no homozygotes.

Submissions (2):

Labcorp Genetics (formerly Invitae), Labcorp
Classification: Likely benign for Developmental and epileptic encephalopathy, 1; Autosomal recessive spinocerebellar ataxia 12. Last evaluated: 2024-07-29. Review status: criteria provided, single submitter. Criteria: Invitae Variant Classification Sherloc (09022015). Collection method: clinical testing. Allele origin: germline.

CeGaT Center for Human Genetics Tuebingen
Classification: Likely benign. Last evaluated: 2022-03-01. Review status: criteria provided, single submitter. Criteria: CeGaT Center For Human Genetics Tuebingen Variant Classification Criteria Version 2. Collection method: clinical testing. Allele origin: germline. Affected: yes. Observed: 1 variant allele.
Comment: WWOX: BP4, BP7